The following is an entry in ClinVar:

ClinVar aggregate classification (germline): Uncertain significance (1 of 4 stars; one submission).

gnomAD v4.1: 28 of 1,609,396 alleles (0.0017%); highest among the groups gnomAD compares: East Asian, 0.0045%; no homozygotes.

Submission:

Mayo Clinic Laboratories, Mayo Clinic
Classification: Uncertain significance. Last evaluated: 2025-11-12. Review status: criteria provided, single submitter. Criteria: ACMG Guidelines, 2015. Collection method: clinical testing. Allele origin: germline. Observed: 1 variant allele.
Comment: PM2_supporting

Literature cited by the submitters: PubMed 32483926; PubMed 32758583; PubMed 33141049.

NM_001166114.2(PNPLA6):c.3410G>A (p.Arg1137His)

Gene: PNPLA6 (patatin like domain 6, lysophospholipase; plus strand). Cytogenetic location: 19p13.2.
Variant type: single nucleotide variant.
Coding change: c.3410G>A on transcript NM_001166114.2 (MANE Select); coding-DNA position 3410, G replaced by A.
Protein change: p.Arg1137His; replaces arginine 1137 with histidine.
Molecular consequence: missense variant.
Genome position (GRCh38, 1-based): chr19:7,558,862, G>A. VCF-style: chr19-7558862-G-A. GRCh37 (hg19) VCF-style: chr19-7623748-G-A.
Other names: p.Arg1099His; c.3440G>A, p.Arg1147His (NM_001166111.2); c.3215G>A, p.Arg1072His (NM_001166112.2); c.3296G>A, p.Arg1099His (NM_001166113.1, NM_006702.5); short protein forms R1072H, R1099H, R1137H, R1147H.
Identifiers: ClinVar variation 4542296 (VCV004542296.1).